The following is an entry in ClinVar:

ClinVar aggregate classification (germline): Pathogenic (1 of 4 stars; one submission).

Conditions:
Tuberous sclerosis 2 (TSC2). Identifiers: Orphanet 805, MedGen C1860707, MONDO:0013199, OMIM 613254.

Submission:

Labcorp Genetics (formerly Invitae), Labcorp
Classification: Pathogenic for Tuberous sclerosis 2. Last evaluated: 2020-11-18. Review status: criteria provided, single submitter. Criteria: Invitae Variant Classification Sherloc (09022015). Collection method: clinical testing. Allele origin: germline.
Comment: For these reasons, this variant has been classified as Pathogenic. This sequence change creates a premature translational stop signal (p.Glu755Argfs*7) in the TSC2 gene. It is expected to result in an absent or disrupted protein product. Loss-of-function variants in TSC2 are known to be pathogenic (PMID: 10205261, 17304050). This variant is not present in population databases (ExAC no frequency). This variant has not been reported in the literature in individuals with TSC2-related conditions.

Literature cited by the submitters: PubMed 10205261; PubMed 17304050.

NM_000548.5(TSC2):c.2262dup (p.Glu755fs)

Gene: TSC2 (TSC complex subunit 2; plus strand). Cytogenetic location: 16p13.3.
Variant type: Duplication.
Coding change: c.2262dup on transcript NM_000548.5 (MANE Select); coding-DNA position 2262, one base duplicated (A; older notation c.2262dupA).
Protein change: p.Glu755fs; shifts the reading frame from glutamic acid 755.
Molecular consequence: frameshift variant.
Genome position (GRCh38, 1-based): chr16:2,072,890, A duplicated. VCF-style (leftmost placement, unchanged base first): chr16-2072889-C-CA. GRCh37 (hg19) VCF-style: chr16-2122890-C-CA.
Other names: c.2262dup, p.Glu755fs (NM_001077183.3, NM_001114382.3, NM_001363528.2 and 3 more transcripts); c.2151dup, p.Glu718fs (NM_001318827.2); c.2115dup, p.Glu706fs (NM_001318829.2); c.1662dup, p.Glu555fs (NM_001318831.2); c.2295dup, p.Glu766fs (NM_001318832.2); short protein forms E706fs, E718fs, E755fs, E766fs, E555fs.
Identifiers: ClinVar variation 1367077 (VCV001367077.6), dbSNP rs2151327153, ClinGen allele CA2573151615.
Genomic context (GRCh38, chr16:2,072,889, plus strand): 5'-TGCCTGGATTTGGTCATCAGCTTTCAGGCCCAAAGACACTGGAGCGGCTCCGAGGCGCCC[C>CA]AGAAGGCTTCTCCAGAACTGACTTGCACCTGGCCGTGGTTCCAGTGCTGACAGCATTAAT-3'